The following is an entry in ClinVar:

ClinVar aggregate classification (germline): Uncertain significance. Review status: criteria provided, multiple submitters, no conflicts (2 of 4 stars). 2 submissions from 2 submitters: Uncertain significance (2). Last evaluated 2025-01-29.

Conditions:
PCNT-related disorder. Also called: PCNT-related condition.

Submissions (2):

PreventionGenetics, part of Exact Sciences
Classification: Uncertain significance for PCNT-related condition. Last evaluated: 2025-01-29. Review status: criteria provided, single submitter. Criteria: ACMG Guidelines, 2015. Collection method: clinical testing. Allele origin: germline.
Comment: The PCNT c.8810_8811delinsTG variant is predicted to result in an in-frame deletion and insertion. To our knowledge, this variant has not been reported in the literature or in a large population database, indicating this variant is rare. At this time, the clinical significance of this variant is uncertain due to the absence of conclusive functional and genetic evidence.

Labcorp Genetics (formerly Invitae), Labcorp
Classification: Uncertain significance. Last evaluated: 2024-11-02. Review status: criteria provided, single submitter. Criteria: Invitae Variant Classification Sherloc (09022015). Collection method: clinical testing. Allele origin: germline.
Comment: This sequence change replaces threonine, which is neutral and polar, with methionine, which is neutral and non-polar, at codon 2937 of the PCNT protein (p.Thr2937Met). The frequency data for this variant in the population databases is considered unreliable, as metrics indicate poor data quality at this position in the gnomAD database. This variant has not been reported in the literature in individuals affected with PCNT-related conditions. An algorithm developed to predict the effect of missense changes on protein structure and function (PolyPhen-2) suggests that this variant is likely to be tolerated. In summary, the available evidence is currently insufficient to determine the role of this variant in disease. Therefore, it has been classified as a Variant of Uncertain Significance.

NM_006031.6(PCNT):c.8810_8811inv (p.Thr2937Met)

Gene: PCNT (pericentrin; plus strand). Cytogenetic location: 21q22.3.
Variant type: Inversion.
Coding change: c.8810_8811inv on transcript NM_006031.6 (MANE Select).
Protein change: p.Thr2937Met; replaces threonine 2937 with methionine.
Molecular consequence: missense variant.
Genome position: GRCh38 VCF-style: chr21-46435962-CA-TG. GRCh37 (hg19) VCF-style: chr21-47855875-CA-TG.
Other names: c.8219_8220inv, p.Thr2740Met (NM_001315529.2); short protein forms T2740M, T2937M.
Identifiers: ClinVar variation 3346371 (VCV003346371.4).